The following is an entry in ClinVar:

ClinVar aggregate classification (germline): Likely pathogenic (1 of 4 stars; one submission).

Conditions:
Wilms tumor 1 (WT1). Also called: Wilms tumor, somatic. Identifiers: Orphanet 654, MedGen CN033288, MONDO:0008679, OMIM 194070.
11p partial monosomy syndrome (WAGR). Also called: WAGR syndrome; WAGR Complex; WAGR Spectrum Disorder; CHROMOSOME 11p13 DELETION SYNDROME. Identifiers: Orphanet 893, MedGen C0206115, MONDO:0008681, OMIM 194072.
Drash syndrome (DDS). Also called: WILMS TUMOR AND PSEUDO- OR TRUE HERMAPHRODITISM; NEPHROPATHY, WILMS TUMOR, AND GENITAL ANOMALIES. Identifiers: Orphanet 220, MedGen C0950121, MONDO:0008682, OMIM 194080.
Frasier syndrome. Identifiers: Orphanet 347, MedGen C0950122, MeSH D052159, MONDO:0007635, OMIM 136680.

Submission:

Labcorp Genetics (formerly Invitae), Labcorp
Classification: Likely pathogenic for Wilms tumor 1; Drash syndrome; 11p partial monosomy syndrome; Frasier syndrome. Last evaluated: 2023-11-20. Review status: criteria provided, single submitter. Criteria: Invitae Variant Classification Sherloc (09022015). Collection method: clinical testing. Allele origin: germline.
Comment: This sequence change affects a donor splice site in intron 4 of the WT1 gene. It is expected to disrupt RNA splicing. Variants that disrupt the donor or acceptor splice site typically lead to a loss of protein function (PMID: 16199547), and loss-of-function variants in WT1 are known to be pathogenic (PMID: 15150775). This variant is not present in population databases (gnomAD no frequency). This variant has not been reported in the literature in individuals affected with WT1-related conditions. Algorithms developed to predict the effect of sequence changes on RNA splicing suggest that this variant may disrupt the consensus splice site. In summary, the currently available evidence indicates that the variant is pathogenic, but additional data are needed to prove that conclusively. Therefore, this variant has been classified as Likely Pathogenic.

Literature cited by the submitters: PubMed 16199547; PubMed 15150775.

NM_024426.6(WT1):c.965+2T>C

Gene: WT1 (WT1 transcription factor; minus strand). Cytogenetic location: 11p13.
Variant type: single nucleotide variant.
Coding change: c.965+2T>C on transcript NM_024426.6 (MANE Select); the canonical splice donor site of the intron after coding-DNA position 965, T replaced by C.
Molecular consequence: splice donor variant. On other transcripts: non-coding transcript variant (2).
Genome position (GRCh38, 1-based): chr11:32,417,575, A>G on the plus strand (T>C on the coding strand, the complement: WT1 is on the minus strand). VCF-style: chr11-32417575-A-G. GRCh37 (hg19) VCF-style: chr11-32439121-A-G.
Other names: c.842+2T>C (NM_001407050.1, NM_001407047.1); c.965+2T>C (NM_001407048.1, NM_001407049.1, NM_000378.6 and 4 more transcripts); c.203+2T>C (NM_001407051.1); c.314+2T>C (NM_001198552.2, NM_001198551.2).
Identifiers: ClinVar variation 2954056 (VCV002954056.3), dbSNP rs2133036598, ClinGen allele CA379961976.